The following is an entry in ClinVar:

NM_001308093.3(GATA4):c.1322T>G (p.Ile441Ser)

Gene: GATA4 (GATA binding protein 4). Cytogenetic location: 8p23.1.
Variant type: single nucleotide variant.
Coding change: c.1322T>G on transcript NM_001308093.3 (MANE Select); coding-DNA position 1322, T replaced by G.
Protein change: p.Ile441Ser; replaces isoleucine 441 with serine.
Molecular consequence: missense variant.
Genome position (GRCh38, 1-based): chr8:11,758,465, T>G. VCF-style: chr8-11758465-T-G. GRCh37 (hg19) VCF-style: chr8-11615974-T-G.
Other names: c.701T>G, p.Ile234Ser (NM_001308094.2, NM_001374273.1); c.575T>G, p.Ile192Ser (NM_001374274.1); c.1319T>G, p.Ile440Ser (NM_002052.5); short protein forms I440S, I441S, I192S, I234S.
Identifiers: ClinVar variation 1769857 (VCV001769857.2), dbSNP rs2130356228, ClinGen allele CA370315880.

ClinVar aggregate classification (germline): Uncertain significance (1 of 4 stars; one submission).

Conditions:
Cardiovascular phenotype. Identifiers: MedGen CN230736.

Submission:

Ambry Genetics
Classification: Uncertain significance for Cardiovascular phenotype. Last evaluated: 2022-08-01. Review status: criteria provided, single submitter. Criteria: Ambry Variant Classification Scheme 2023. Collection method: clinical testing. Allele origin: germline.
Comment: The p.I440S variant (also known as c.1319T>G), located in coding exon 6 of the GATA4 gene, results from a T to G substitution at nucleotide position 1319. The isoleucine at codon 440 is replaced by serine, an amino acid with dissimilar properties. This amino acid position is conserved. In addition, this alteration is predicted to be deleterious by in silico analysis. Since supporting evidence is limited at this time, the clinical significance of this alteration remains unclear.